The following is an entry in ClinVar:

NM_004260.4(RECQL4):c.761C>G (p.Pro254Arg)

Gene: RECQL4 (RecQ like helicase 4; minus strand). Cytogenetic location: 8q24.3.
Variant type: single nucleotide variant.
Coding change: c.761C>G on transcript NM_004260.4 (MANE Select); coding-DNA position 761, C replaced by G.
Protein change: p.Pro254Arg; replaces proline 254 with arginine.
Molecular consequence: missense variant. On other transcripts: 5 prime UTR variant (17), non-coding transcript variant (3).
Genome position (GRCh38, 1-based): chr8:144,516,358, G>C on the plus strand (C>G on the coding strand, the complement: RECQL4 is on the minus strand). VCF-style: chr8-144516358-G-C. GRCh37 (hg19) VCF-style: chr8-145741742-G-C.
Other names: c.761C>G, p.Pro254Arg (NM_001413017.1, NM_001413018.1, NM_001413019.1 and 4 more transcripts); c.-311C>G (NM_001413021.1, NM_001413022.1, NM_001413023.1 and 7 more transcripts); c.632C>G, p.Pro211Arg (NM_001413025.1); c.-373C>G (NM_001413027.1, NM_001413030.1, NM_001413031.1 and 2 more transcripts); c.410C>G, p.Pro137Arg (NM_001413029.1); c.-215C>G (NM_001413034.1); c.-580C>G (NM_001413043.1); short protein forms P137R, P254R, P211R.
Identifiers: ClinVar variation 5028118 (VCV005028118.1).

ClinVar aggregate classification (germline): Uncertain significance (1 of 4 stars; one submission).

Conditions:
Inborn genetic diseases. Identifiers: MedGen C0950123, MeSH D030342.

Submission:

Ambry Genetics
Classification: Uncertain significance for Inborn genetic diseases. Last evaluated: 2026-08-31. Review status: criteria provided, single submitter. Criteria: Ambry Variant Classification Scheme 2023. Collection method: clinical testing. Allele origin: germline.
Comment: The p.P254R variant (also known as c.761C>G), located in coding exon 5 of the RECQL4 gene, results from a C to G substitution at nucleotide position 761. The proline at codon 254 is replaced by arginine, an amino acid with dissimilar properties. This amino acid position is conserved. In addition, this alteration is predicted to be tolerated by in silico analysis. Based on the available evidence, the clinical significance of this variant remains unclear.